The following is an entry in ClinVar:

NM_000179.3(MSH6):c.3940C>A (p.Gln1314Lys)

Gene: MSH6 (mutS homolog 6; plus strand). Cytogenetic location: 2p16.3.
Variant type: single nucleotide variant.
Coding change: c.3940C>A on transcript NM_000179.3 (MANE Select); coding-DNA position 3940, C replaced by A.
Protein change: p.Gln1314Lys; replaces glutamine 1314 with lysine.
Molecular consequence: missense variant.
Genome position (GRCh38, 1-based): chr2:47,806,590, C>A. VCF-style: chr2-47806590-C-A. GRCh37 (hg19) VCF-style: chr2-48033729-C-A.
Other names: c.3550C>A, p.Gln1184Lys (NM_001281492.2); c.3034C>A, p.Gln1012Lys (NM_001281493.2, NM_001281494.2); short protein forms Q1012K, Q1184K, Q1314K.
Identifiers: ClinVar variation 1516576 (VCV001516576.6), dbSNP rs1416452389, ClinGen allele CA346761499.

ClinVar aggregate classification (germline): Uncertain significance (1 of 4 stars; one submission).

Conditions:
Hereditary nonpolyposis colorectal neoplasms. Identifiers: MedGen C0009405, MeSH D003123.

Submission:

Labcorp Genetics (formerly Invitae), Labcorp
Classification: Uncertain significance for Hereditary nonpolyposis colorectal neoplasms. Last evaluated: 2023-09-19. Review status: criteria provided, single submitter. Criteria: Invitae Variant Classification Sherloc (09022015). Collection method: clinical testing. Allele origin: germline.
Comment: This variant has not been reported in the literature in individuals affected with MSH6-related conditions. ClinVar contains an entry for this variant (Variation ID: 1516576). Advanced modeling of protein sequence and biophysical properties (such as structural, functional, and spatial information, amino acid conservation, physicochemical variation, residue mobility, and thermodynamic stability) performed at Invitae indicates that this missense variant is not expected to disrupt MSH6 protein function. In summary, the available evidence is currently insufficient to determine the role of this variant in disease. Therefore, it has been classified as a Variant of Uncertain Significance. This variant is not present in population databases (gnomAD no frequency). This sequence change replaces glutamine, which is neutral and polar, with lysine, which is basic and polar, at codon 1314 of the MSH6 protein (p.Gln1314Lys).